The following is an entry in ClinVar:

NM_000038.6(APC):c.798G>A (p.Val266=)

Gene: APC (APC regulator of Wnt signaling pathway; plus strand). Cytogenetic location: 5q22.2.
Variant type: single nucleotide variant.
Coding change: c.798G>A on transcript NM_000038.6 (MANE Select); coding-DNA position 798, G replaced by A.
Protein change: p.Val266=; no amino-acid change (valine 266 retained).
Molecular consequence: synonymous variant. On other transcripts: 5 prime UTR variant (1).
Genome position (GRCh38, 1-based): chr5:112,801,347, G>A. VCF-style: chr5-112801347-G-A. GRCh37 (hg19) VCF-style: chr5-112137044-G-A.
Other names: c.798G>A, p.Val266= (NM_001127510.3, NM_001354895.2, NM_001354896.2 and 1 more transcripts); c.744G>A, p.Val248= (NM_001127511.3); c.828G>A, p.Val276= (NM_001354897.2, NM_001354902.2); c.723G>A, p.Val241= (NM_001354898.2, NM_001354904.2); c.714G>A, p.Val238= (NM_001354899.2); c.621G>A, p.Val207= (NM_001354900.2, NM_001354901.2, NM_001354905.2); c.-238G>A (NM_001354906.2).
Identifiers: ClinVar variation 482260 (VCV000482260.21), dbSNP rs778689157, ClinGen allele CA049580.

ClinVar aggregate classification (germline): Conflicting classifications of pathogenicity. Review status: criteria provided, conflicting classifications (1 of 4 stars). 6 submissions from 6 submitters: Uncertain significance (1); Benign (1); Likely benign (4). Last evaluated 2025-12-23.

Conditions:
Familial adenomatous polyposis 1 (FAP1). Also called: FAMILIAL ADENOMATOUS POLYPOSIS 1, ATTENUATED; POLYPOSIS, ADENOMATOUS INTESTINAL. Identifiers: MedGen C2713442, MONDO:0021056, OMIM 175100. Disease mechanism: loss of function.
Classic or attenuated familial adenomatous polyposis. Identifiers: MedGen CN372698, MONDO:0021057.
Hereditary cancer-predisposing syndrome. Also called: Neoplastic Syndromes, Hereditary; Tumor predisposition; Hereditary Cancer Syndrome; Hereditary neoplastic syndrome. Identifiers: Orphanet 140162, MedGen C0027672, MeSH D009386, MONDO:0015356.

Allele frequency attached by ClinVar (database versions not stated): gnomAD exomes below 0.00001 and 0.00001; TOPMed below 0.00001; ExAC 0.00001.
gnomAD v4.1: 4 of 1,612,406 alleles (0.00025%); highest among the groups gnomAD compares: East Asian, 0.0022%; no homozygotes.

Submissions (6):

Labcorp Genetics (formerly Invitae), Labcorp
Classification: Likely benign for Familial adenomatous polyposis 1. Last evaluated: 2025-12-23. Review status: criteria provided, single submitter. Criteria: Invitae Variant Classification Sherloc (09022015). Collection method: clinical testing. Allele origin: germline.

All of Us Research Program, National Institutes of Health
Classification: Likely benign for Classic or attenuated familial adenomatous polyposis. Last evaluated: 2024-03-24. Review status: criteria provided, single submitter. Criteria: ACMG Guidelines, 2015. Collection method: clinical testing. Allele origin: germline. Inheritance: Autosomal dominant inheritance. Observed: 2 variant alleles, 2 heterozygotes.
Comment: This study involves interpretation of variants in research participants for the purpose of population health screening. Participant phenotype was not available at the time of variant classification. Additional details can be found in publication PMID: 35346344, PMCID: PMC8962531

Myriad Genetics, Inc.
Classification: Benign for Familial adenomatous polyposis 1. Last evaluated: 2024-02-27. Review status: criteria provided, single submitter. Criteria: Myriad Autosomal Dominant, Autosomal Recessive and X-Linked Classification Criteria (2023). Collection method: clinical testing. Allele origin: unknown.
Comment: This variant is considered benign. This variant is a silent/synonymous amino acid change and it is not expected to impact splicing.

Quest Diagnostics Nichols Institute San Juan Capistrano
Classification: Uncertain significance. Last evaluated: 2023-05-01. Review status: criteria provided, single submitter. Criteria: Quest Diagnostics criteria. Collection method: clinical testing. Allele origin: unknown.
Comment: To the best of our knowledge, the variant has not been reported in the published literature. The frequency of this variant in the general population, 0.000008 (2/251108 chromosomes), is uninformative in assessment of its pathogenicity. Analysis of this variant using software algorithms for the prediction of the effect of nucleotide changes on splicing yielded predictions that this variant does not affect APC mRNA splicing . Based on the available information, we are unable to determine the clinical significance of this variant.

Color Diagnostics, LLC DBA Color Health
Classification: Likely benign for Hereditary cancer-predisposing syndrome. Last evaluated: 2017-01-12. Review status: criteria provided, single submitter. Criteria: ACMG Guidelines, 2015. Collection method: clinical testing. Allele origin: germline.

Ambry Genetics
Classification: Likely benign for Hereditary cancer-predisposing syndrome. Last evaluated: 2016-07-13. Review status: criteria provided, single submitter. Criteria: Ambry Variant Classification Scheme 2023. Collection method: clinical testing. Allele origin: germline.